The following is an entry in ClinVar:

ClinVar aggregate classification (germline): Conflicting classifications of pathogenicity. Review status: criteria provided, conflicting classifications (1 of 4 stars). 3 submissions from 3 submitters: Uncertain significance (2); Likely benign (1). Last evaluated 2025-09-25.

Conditions:
Waardenburg syndrome type 2A (WS2A). Also called: WAARDENBURG SYNDROME WITHOUT DYSTOPIA CANTHORUM. Identifiers: Orphanet 3440, MedGen C1860339, MONDO:0008671, OMIM 193510.
Melanoma, cutaneous malignant, susceptibility to, 8. Also called: Cutaneous malignant melanoma 8; MELANOMA AND RENAL CELL CARCINOMA, SUSCEPTIBILITY TO. Identifiers: Orphanet 293822, MedGen C3152204, MONDO:0013759, OMIM 614456.
Tietz syndrome (TADS). Also called: HYPOPIGMENTATION/DEAFNESS OF TIETZ; ALBINISM-DEAFNESS OF TIETZ; TIETZ ALBINISM-DEAFNESS SYNDROME. Identifiers: Orphanet 42665, MedGen C0391816, MONDO:0007077, OMIM 103500.
Hereditary cancer-predisposing syndrome. Also called: Neoplastic Syndromes, Hereditary; Hereditary neoplastic syndrome; Tumor predisposition; Hereditary Cancer Syndrome. Identifiers: Orphanet 140162, MedGen C0027672, MeSH D009386, MONDO:0015356.

Allele frequency attached by ClinVar (database versions not stated): TOPMed below 0.00001.
gnomAD v4.1: 3 of 1,613,894 alleles (0.00019%); highest among the groups gnomAD compares: Admixed American, 0.005%; no homozygotes.

Submissions (3):

Ambry Genetics
Classification: Likely benign for Hereditary cancer-predisposing syndrome. Last evaluated: 2025-09-25. Review status: criteria provided, single submitter. Criteria: Ambry Variant Classification Scheme 2023. Collection method: clinical testing. Allele origin: germline.

Labcorp Genetics (formerly Invitae), Labcorp
Classification: Uncertain significance for Melanoma, cutaneous malignant, susceptibility to, 8; Waardenburg syndrome type 2A; Tietz syndrome. Last evaluated: 2023-01-28. Review status: criteria provided, single submitter. Criteria: Invitae Variant Classification Sherloc (09022015). Collection method: clinical testing. Allele origin: germline.
Comment: This sequence change replaces asparagine, which is neutral and polar, with isoleucine, which is neutral and non-polar, at codon 353 of the MITF protein (p.Asn353Ile). This variant is present in population databases (rs751890826, gnomAD 0.006%). This variant has not been reported in the literature in individuals affected with MITF-related conditions. Advanced modeling of protein sequence and biophysical properties (such as structural, functional, and spatial information, amino acid conservation, physicochemical variation, residue mobility, and thermodynamic stability) performed at Invitae indicates that this missense variant is not expected to disrupt MITF protein function. In summary, the available evidence is currently insufficient to determine the role of this variant in disease. Therefore, it has been classified as a Variant of Uncertain Significance.

GeneDx
Classification: Uncertain significance. Last evaluated: 2022-10-28. Review status: criteria provided, single submitter. Criteria: GeneDx Variant Classification Process June 2021. Collection method: clinical testing. Allele origin: germline. Affected: yes.
Comment: In silico analysis supports that this missense variant does not alter protein structure/function; Has not been previously published as pathogenic or benign to our knowledge

NM_001354604.2(MITF):c.1379A>T (p.Asn460Ile)

Gene: MITF (melanocyte inducing transcription factor; plus strand). Cytogenetic location: 3p13.
Variant type: single nucleotide variant.
Coding change: c.1379A>T on transcript NM_001354604.2 (MANE Select); coding-DNA position 1379, A replaced by T.
Protein change: p.Asn460Ile; replaces asparagine 460 with isoleucine.
Molecular consequence: missense variant.
Genome position (GRCh38, 1-based): chr3:69,965,046, A>T. VCF-style: chr3-69965046-A-T. GRCh37 (hg19) VCF-style: chr3-70014197-A-T.
Other names: c.1058A>T, p.Asn353Ile (NM_000248.4); c.1205A>T, p.Asn402Ile (NM_001184967.2, NM_001354608.2); c.1376A>T, p.Asn459Ile (NM_001354605.2); c.1358A>T, p.Asn453Ile (NM_001354606.2, NM_006722.3); c.1310A>T, p.Asn437Ile (NM_001354607.2); c.1040A>T, p.Asn347Ile (NM_198158.3); c.1361A>T, p.Asn454Ile (NM_198159.3); c.1313A>T, p.Asn438Ile (NM_198177.3); and 1 more; short protein forms N291I, N347I, N353I, N402I, N437I, N438I, N453I, N454I.
Identifiers: ClinVar variation 2500490 (VCV002500490.5), dbSNP rs751890826, ClinGen allele CA2490651.